The following is an entry in ClinVar:

NM_025144.4(ALPK1):c.217G>A (p.Gly73Ser)

Gene: ALPK1 (alpha kinase 1; plus strand). Cytogenetic location: 4q25.
Variant type: single nucleotide variant.
Coding change: c.217G>A on transcript NM_025144.4 (MANE Select); coding-DNA position 217, G replaced by A.
Protein change: p.Gly73Ser; replaces glycine 73 with serine.
Molecular consequence: missense variant. On other transcripts: intron variant (1).
Genome position (GRCh38, 1-based): chr4:112,382,493, G>A. VCF-style: chr4-112382493-G-A. GRCh37 (hg19) VCF-style: chr4-113303649-G-A.
Other names: c.217G>A, p.Gly73Ser (NM_001102406.2); c.42+4595G>A (NM_001253884.2); short protein forms G73S.
Identifiers: ClinVar variation 3672943 (VCV003672943.2).

ClinVar aggregate classification (germline): Uncertain significance (1 of 4 stars; one submission).

Submission:

Labcorp Genetics (formerly Invitae), Labcorp
Classification: Uncertain significance. Last evaluated: 2024-08-04. Review status: criteria provided, single submitter. Criteria: Invitae Variant Classification Sherloc (09022015). Collection method: clinical testing. Allele origin: germline.
Comment: This sequence change replaces glycine, which is neutral and non-polar, with serine, which is neutral and polar, at codon 73 of the ALPK1 protein (p.Gly73Ser). This variant is not present in population databases (gnomAD no frequency). This variant has not been reported in the literature in individuals affected with ALPK1-related conditions. Advanced modeling of protein sequence and biophysical properties (such as structural, functional, and spatial information, amino acid conservation, physicochemical variation, residue mobility, and thermodynamic stability) performed at Invitae indicates that this missense variant is not expected to disrupt ALPK1 protein function with a negative predictive value of 80%. In summary, the available evidence is currently insufficient to determine the role of this variant in disease. Therefore, it has been classified as a Variant of Uncertain Significance.